The following is an entry in ClinVar:

ClinVar aggregate classification (germline): Uncertain significance (1 of 4 stars; one submission).

Submission:

GeneDx
Classification: Uncertain significance. Last evaluated: 2019-11-05. Review status: criteria provided, single submitter. Criteria: GeneDx Variant Classification Process June 2021. Collection method: clinical testing. Allele origin: germline. Affected: yes.
Comment: Not observed in large population cohorts (Lek et al., 2016); Nonsense variant predicted to result in protein truncation or nonsense mediated decay in a gene for which loss-of-function is not a known mechanism of disease; Has not been previously published as pathogenic or benign to our knowledge

NM_000522.5(HOXA13):c.481C>T (p.Gln161Ter)

Genes: HOXA13 (homeobox A13; minus strand), LOC107126288 (NUP98-HOXA13 recombination region; plus strand). Cytogenetic location: 7p15.2.
Variant type: single nucleotide variant.
Coding change: c.481C>T on transcript NM_000522.5 (MANE Select); coding-DNA position 481, C replaced by T.
Protein change: p.Gln161Ter; replaces glutamine 161 with a stop codon.
Molecular consequence: nonsense.
Genome position (GRCh38, 1-based): chr7:27,199,597, G>A on the plus strand (C>T on the coding strand, the complement: HOXA13 is on the minus strand). VCF-style: chr7-27199597-G-A. GRCh37 (hg19) VCF-style: chr7-27239216-G-A.
Other names: short protein forms Q161*.
Identifiers: ClinVar variation 1309583 (VCV001309583.2), dbSNP rs2115472707, ClinGen allele CA367073119.
Genomic context (GRCh38, chr7:27,199,597, plus strand): 5'-ACGGGTAGTAGCCGCTGCCGAAGTAGCCATAGGGCAGCGCCGCGGGCCCCGACGAGCTCT[G>A]CGCCGCTGCCGAGCAGGGGCTGCATTGCTTGGCGGCCTCTGCGCCCGCCGGGCCCGCCGG-3'